The following is an entry in ClinVar:

ClinVar aggregate classification (germline): Uncertain significance (1 of 4 stars; one submission).

Conditions:
Facioscapulohumeral muscular dystrophy 2 (FSHD2). Also called: FSHD2, DIGENIC; MUSCULAR DYSTROPHY, FACIOSCAPULOHUMERAL, TYPE 1B; FACIOSCAPULOHUMERAL MUSCULAR DYSTROPHY 2, DIGENIC. Identifiers: Orphanet 269, MedGen C1834671, MONDO:0008031, OMIM 158901.

Allele frequency attached by ClinVar (database versions not stated): gnomAD exomes below 0.00001 and 0.00001; gnomAD 0.00001; TOPMed 0.00001.
gnomAD v4.1: 8 of 1,612,152 alleles (0.0005%); highest among the groups gnomAD compares: African/African-American, 0.0013%; no homozygotes.

Submission:

Labcorp Genetics (formerly Invitae), Labcorp
Classification: Uncertain significance for Facioscapulohumeral muscular dystrophy 2. Last evaluated: 2023-01-25. Review status: criteria provided, single submitter. Criteria: Invitae Variant Classification Sherloc (09022015). Collection method: clinical testing. Allele origin: germline.
Comment: The frequency data for this variant in the population databases is considered unreliable, as metrics indicate poor data quality at this position in the gnomAD database. In summary, the available evidence is currently insufficient to determine the role of this variant in disease. Therefore, it has been classified as a Variant of Uncertain Significance. Advanced modeling of protein sequence and biophysical properties (such as structural, functional, and spatial information, amino acid conservation, physicochemical variation, residue mobility, and thermodynamic stability) performed at Invitae indicates that this missense variant is not expected to disrupt SMCHD1 protein function. ClinVar contains an entry for this variant (Variation ID: 1385907). This variant has not been reported in the literature in individuals affected with SMCHD1-related conditions. This sequence change replaces arginine, which is basic and polar, with histidine, which is basic and polar, at codon 928 of the SMCHD1 protein (p.Arg928His).

NM_015295.3(SMCHD1):c.2783G>A (p.Arg928His)

Gene: SMCHD1 (structural maintenance of chromosomes flexible hinge domain containing 1; plus strand). Cytogenetic location: 18p11.32.
Variant type: single nucleotide variant.
Coding change: c.2783G>A on transcript NM_015295.3 (MANE Select); coding-DNA position 2783, G replaced by A.
Protein change: p.Arg928His; replaces arginine 928 with histidine.
Molecular consequence: missense variant.
Genome position (GRCh38, 1-based): chr18:2,728,466, G>A. VCF-style: chr18-2728466-G-A. GRCh37 (hg19) VCF-style: chr18-2728464-G-A.
Other names: short protein forms R928H.
Identifiers: ClinVar variation 1385907 (VCV001385907.8), dbSNP rs1160353418, ClinGen allele CA401683131.